The following is an entry in ClinVar:

NM_000127.3(EXT1):c.1998dup (p.Leu667fs)

Gene: EXT1 (exostosin glycosyltransferase 1; minus strand). Cytogenetic location: 8q24.11.
Variant type: Duplication.
Coding change: c.1998dup on transcript NM_000127.3 (MANE Select); coding-DNA position 1998, one base duplicated (A; older notation c.1998dupA).
Protein change: p.Leu667fs; shifts the reading frame from leucine 667.
Molecular consequence: frameshift variant.
Genome position (GRCh38, 1-based): chr8:117,804,779, T duplicated on the plus strand (A on the coding strand, the reverse complement: EXT1 is on the minus strand); the first of 4 consecutive T bases (chr8:117,804,779-117,804,782); duplicating any one gives the same sequence. VCF-style (leftmost placement, unchanged base first): chr8-117804778-A-AT. GRCh37 (hg19) VCF-style: chr8-118817017-A-AT.
Other names: short protein forms L667fs.
Identifiers: ClinVar variation 1069692 (VCV001069692.9), dbSNP rs2129693616, ClinGen allele CA2499219114.

ClinVar aggregate classification (germline): Pathogenic (1 of 4 stars; one submission).

Conditions:
Multiple congenital exostosis (EXT). Also called: Hereditary multiple exostoses; Hereditary multiple exostosis; MULTIPLE CARTILAGINOUS EXOSTOSES; Multiple exostoses; Hereditary multiple osteochondromas; Multiple osteochondromas. Identifiers: Orphanet 321, MedGen C0015306, MONDO:0005508, HP:0002762.

Submission:

Labcorp Genetics (formerly Invitae), Labcorp
Classification: Pathogenic for Multiple congenital exostosis. Last evaluated: 2017-07-24. Review status: criteria provided, single submitter. Criteria: Invitae Variant Classification Sherloc (09022015). Collection method: clinical testing. Allele origin: germline.
Comment: For these reasons, this variant has been classified as Pathogenic. Different truncations downstream of this variant (p.Gln685*, p.Tyr678*) have been determined to be pathogenic (PMID: 9521425, 25520924, 19810120). This suggests that deletion of this region of the EXT1 protein is causative of disease. This variant has not been reported in the literature in individuals with EXT1-related disease. This variant is not present in population databases (ExAC no frequency). This sequence change results in a premature translational stop signal in the EXT1 gene (p.Leu667Ilefs*13). While this is not anticipated to result in nonsense mediated decay, it is expected to disrupt the last 80 amino acids of the EXT1 protein.

Literature cited by the submitters: PubMed 9521425; PubMed 25520924; PubMed 19810120.